The following is an entry in ClinVar:

ClinVar aggregate classification (germline): Likely pathogenic (1 of 4 stars; one submission).

Conditions:
Nemaline myopathy 2 (NEM2). Also called: Nemaline myopathy 2, autosomal recessive. Identifiers: MedGen C1850569, MONDO:0009725, OMIM 256030.

Submission:

Labcorp Genetics (formerly Invitae), Labcorp
Classification: Likely pathogenic for Nemaline myopathy 2. Last evaluated: 2020-06-07. Review status: criteria provided, single submitter. Criteria: Invitae Variant Classification Sherloc (09022015). Collection method: clinical testing. Allele origin: germline.
Comment: In summary, the currently available evidence indicates that the variant is pathogenic, but additional data are needed to prove that conclusively. Therefore, this variant has been classified as Likely Pathogenic. Donor and acceptor splice site variants typically lead to a loss of protein function (PMID: 16199547), and loss-of-function variants in NEB are known to be pathogenic (PMID: 25205138). Algorithms developed to predict the effect of sequence changes on RNA splicing suggest that this variant may disrupt the consensus splice site, but this prediction has not been confirmed by published transcriptional studies. This variant has not been reported in the literature in individuals with NEB-related conditions. This variant is not present in population databases (ExAC no frequency). This sequence change affects a donor splice site in intron 14 of the NEB gene. It is expected to disrupt RNA splicing and likely results in an absent or disrupted protein product.

Literature cited by the submitters: PubMed 16199547; PubMed 25205138.

NM_001164508.2(NEB):c.1257+2T>G

Gene: NEB (nebulin; minus strand). Cytogenetic location: 2q23.3.
Variant type: single nucleotide variant.
Coding change: c.1257+2T>G on transcript NM_001164508.2 (MANE Select); the canonical splice donor site of the intron after coding-DNA position 1257, T replaced by G.
Molecular consequence: splice donor variant.
Genome position (GRCh38, 1-based): chr2:151,697,542, A>C on the plus strand (T>G on the coding strand, the complement: NEB is on the minus strand). VCF-style: chr2-151697542-A-C. GRCh37 (hg19) VCF-style: chr2-152554056-A-C.
Other names: c.1257+2T>G (NM_004543.5, NM_001164507.2, NM_001271208.2).
Identifiers: ClinVar variation 1067822 (VCV001067822.7), dbSNP rs2149365500, ClinGen allele CA348825797.